The following is an entry in ClinVar:

ClinVar aggregate classification (germline): Uncertain significance (1 of 4 stars; one submission).

Submission:

Labcorp Genetics (formerly Invitae), Labcorp
Classification: Uncertain significance. Last evaluated: 2022-10-19. Review status: criteria provided, single submitter. Criteria: Invitae Variant Classification Sherloc (09022015). Collection method: clinical testing. Allele origin: germline.
Comment: In summary, the available evidence is currently insufficient to determine the role of this variant in disease. Therefore, it has been classified as a Variant of Uncertain Significance. Algorithms developed to predict the effect of missense changes on protein structure and function are either unavailable or do not agree on the potential impact of this missense change (SIFT: "Deleterious"; PolyPhen-2: "Benign"; Align-GVGD: "Class C0"). This variant has not been reported in the literature in individuals affected with HMCN1-related conditions. This variant is not present in population databases (gnomAD no frequency). This sequence change replaces glutamic acid, which is acidic and polar, with lysine, which is basic and polar, at codon 1335 of the HMCN1 protein (p.Glu1335Lys).

NM_031935.3(HMCN1):c.4003G>A (p.Glu1335Lys)

Gene: HMCN1 (hemicentin 1; plus strand). Cytogenetic location: 1q31.1.
Variant type: single nucleotide variant.
Coding change: c.4003G>A on transcript NM_031935.3 (MANE Select); coding-DNA position 4003, G replaced by A.
Protein change: p.Glu1335Lys; replaces glutamic acid 1335 with lysine.
Molecular consequence: missense variant.
Genome position (GRCh38, 1-based): chr1:186,000,173, G>A. VCF-style: chr1-186000173-G-A. GRCh37 (hg19) VCF-style: chr1-185969305-G-A.
Other names: short protein forms E1335K.
Identifiers: ClinVar variation 1721836 (VCV001721836.5), dbSNP rs763687067, ClinGen allele CA33444261.